The following is an entry in ClinVar:

ClinVar aggregate classification (germline): Likely benign (1 of 4 stars; one submission).

Allele frequency attached by ClinVar (database versions not stated): ExAC 0.00009; TOPMed 0.00009; gnomAD 0.00012; gnomAD exomes 0.00012.
gnomAD v4.1: 190 of 1,604,318 alleles (0.012%); highest among the groups gnomAD compares: Middle Eastern, 0.017%; no homozygotes.

Submission:

CeGaT Center for Human Genetics Tuebingen
Classification: Likely benign. Last evaluated: 2022-11-01. Review status: criteria provided, single submitter. Criteria: CeGaT Center For Human Genetics Tuebingen Variant Classification Criteria Version 2. Collection method: clinical testing. Allele origin: germline. Affected: yes. Observed: 1 variant allele.
Comment: ADAM22: BP4

NM_001324418.2(ADAM22):c.241C>G (p.Pro81Ala)

Gene: ADAM22 (ADAM metallopeptidase domain 22; plus strand). Cytogenetic location: 7q21.12.
Variant type: single nucleotide variant.
Coding change: c.241C>G on transcript NM_001324418.2 (MANE Select); coding-DNA position 241, C replaced by G.
Protein change: p.Pro81Ala; replaces proline 81 with alanine.
Molecular consequence: missense variant.
Genome position (GRCh38, 1-based): chr7:87,935,181, C>G. VCF-style: chr7-87935181-C-G. GRCh37 (hg19) VCF-style: chr7-87564496-C-G.
Other names: c.238C>G, p.Pro80Ala (NM_001324417.2, NM_001324419.2, NM_001391978.1 and 2 more transcripts); c.241C>G, p.Pro81Ala (NM_001324420.2, NM_001324421.2, NM_001391975.1 and 9 more transcripts); short protein forms P80A, P81A.
Identifiers: ClinVar variation 2657660 (VCV002657660.24), dbSNP rs780652562, ClinGen allele CA4330113.